The following is an entry in ClinVar:

ClinVar aggregate classification (germline): Likely pathogenic (1 of 4 stars; one submission).

Submission:

GeneDx
Classification: Likely pathogenic. Last evaluated: 2017-02-16. Review status: criteria provided, single submitter. Criteria: GeneDx Variant Classification (06012015). Collection method: clinical testing. Allele origin: germline. Affected: yes.
Comment: A variant that is likely pathogenic has been identified in the KCNQ2 gene. The F329S variant has not been published as a pathogenic variant, nor has it been reported as a benign variant to our knowledge. The F329S variant is not observed in large population cohorts (Lek et al., 2016; 1000 Genomes Consortium et al., 2015; Exome Variant Server). The F329S variant is a non-conservative amino acid substitution, which is likely to impact secondary protein structure as these residues differ in polarity, charge, size and/or other properties. This substitution occurs at a conserved position predicted to be within the C-terminal cytoplasmic domain, and missense variants in nearby residues (H324R, R325G, R333W, R333Q) have been reported in the Human Gene Mutation Database in association with KCNQ2-related disorders (Stenson et al., 2014), supporting the functional importance of this region of the protein. In silico analysis predicts this variant is probably damaging to the protein structure/function. Therefore, this variant is likely pathogenic; however, the possibility that it is benign cannot be excluded.

NM_172107.4(KCNQ2):c.986T>C (p.Phe329Ser)

Gene: KCNQ2 (potassium voltage-gated channel subfamily Q member 2; minus strand). Cytogenetic location: 20q13.33.
Variant type: single nucleotide variant.
Coding change: c.986T>C on transcript NM_172107.4 (MANE Select); coding-DNA position 986, T replaced by C.
Protein change: p.Phe329Ser; replaces phenylalanine 329 with serine.
Molecular consequence: missense variant.
Genome position (GRCh38, 1-based): chr20:63,438,662, A>G on the plus strand (T>C on the coding strand, the complement: KCNQ2 is on the minus strand). VCF-style: chr20-63438662-A-G. GRCh37 (hg19) VCF-style: chr20-62070015-A-G.
Other names: c.986T>C, p.Phe329Ser (NM_004518.6, NM_172106.3, NM_172108.5 and 1 more transcripts); short protein forms F329S.
Identifiers: ClinVar variation 423623 (VCV000423623.2), dbSNP rs1064796535, ClinGen allele CA16620969.